The following is an entry in ClinVar:

NM_001110219.3(GJB6):c.109G>A (p.Val37Met)

Gene: GJB6 (gap junction protein beta 6; minus strand). Cytogenetic location: 13q12.11.
Variant type: single nucleotide variant.
Coding change: c.109G>A on transcript NM_001110219.3 (MANE Select); coding-DNA position 109, G replaced by A.
Protein change: p.Val37Met; replaces valine 37 with methionine.
Molecular consequence: missense variant.
Genome position (GRCh38, 1-based): chr13:20,223,372, C>T on the plus strand (G>A on the coding strand, the complement: GJB6 is on the minus strand). VCF-style: chr13-20223372-C-T. GRCh37 (hg19) VCF-style: chr13-20797511-C-T.
Other names: c.109G>A, p.Val37Met (NM_001110220.3, NM_001110221.3, NM_001370090.1 and 3 more transcripts); short protein forms V37M.
Identifiers: ClinVar variation 881663 (VCV000881663.7), dbSNP rs761985641, ClinGen allele CA6904509.
Genomic context (GRCh38, chr13:20,223,372, plus strand): 5'-GCAGTGTGTTGCAGACGAAGTCCTCTTGCTCGTCACCCCACACTTCCTGGGCAGCCACCA[C>T]GAGGATCATGACTCGGAAAATAAAGATGACTGTGATCCACACCTTCCCGATGCTGGTGGA-3'
Protein context (NP_001103689.1, residues 27-47): VIFIFRVMIL[Val37Met]VAAQEVWGDE

ClinVar aggregate classification (germline): Uncertain significance. Review status: criteria provided, multiple submitters, no conflicts (2 of 4 stars). 2 submissions from 2 submitters: Uncertain significance (2). Last evaluated 2024-05-26.

Conditions:
Hidrotic ectodermal dysplasia syndrome (GJB6). Also called: Ectodermal dysplasia 2, hidrotic; Autosomal dominant hidrotic ectodermal dysplasia; Clouston syndrome; Clouston's hidrotic ectodermal dysplasia; Hidrotic ectodermal dysplasia; ECTODERMAL DYSPLASIA 2, CLOUSTON TYPE. Identifiers: Orphanet 189, MedGen C0162361, MONDO:0007510, OMIM 129500.
Autosomal recessive nonsyndromic hearing loss 1A (DFNB1A). Also called: GJB6-Related DFNB 1 Nonsyndromic Hearing Loss and Deafness; Deafness, autosomal recessive 1A; Connexin 26 deafness; Deafness nonsyndromic, Connexin 26 linked; Nonsyndromic Hearing Loss and Deafness, DFNB1; GJB2-Related Autosomal Recessive Nonsyndromic Hearing Loss. Identifiers: Orphanet 90636, MedGen C2673759, MONDO:0009076, OMIM 220290.
Autosomal dominant nonsyndromic hearing loss 3B. Identifiers: Orphanet 90635, MedGen C2675237, MONDO:0012975, OMIM 612643.
Autosomal recessive nonsyndromic hearing loss 1B. Also called: DEAFNESS, AUTOSOMAL RECESSIVE 1B. Identifiers: Orphanet 90636, MedGen C2675235, MONDO:0012977, OMIM 612645.

Allele frequency attached by ClinVar (database versions not stated): gnomAD exomes 0.00004; ExAC 0.00002; gnomAD 0.00002; TOPMed 0.00002.
gnomAD v4.1: 65 of 1,614,046 alleles (0.004%); highest among the groups gnomAD compares: Admixed American, 0.005%; no homozygotes.

Submissions (2):

Labcorp Genetics (formerly Invitae), Labcorp
Classification: Uncertain significance for Autosomal dominant nonsyndromic hearing loss 3B; Hidrotic ectodermal dysplasia syndrome; Autosomal recessive nonsyndromic hearing loss 1B; Autosomal recessive nonsyndromic hearing loss 1A. Last evaluated: 2024-05-26. Review status: criteria provided, single submitter. Criteria: Invitae Variant Classification Sherloc (09022015). Collection method: clinical testing. Allele origin: germline.
Comment: This sequence change replaces valine, which is neutral and non-polar, with methionine, which is neutral and non-polar, at codon 37 of the GJB6 protein (p.Val37Met). This variant is present in population databases (rs761985641, gnomAD 0.003%). This variant has not been reported in the literature in individuals affected with GJB6-related conditions. ClinVar contains an entry for this variant (Variation ID: 881663). Advanced modeling of protein sequence and biophysical properties (such as structural, functional, and spatial information, amino acid conservation, physicochemical variation, residue mobility, and thermodynamic stability) performed at Invitae indicates that this missense variant is not expected to disrupt GJB6 protein function with a negative predictive value of 80%. In summary, the available evidence is currently insufficient to determine the role of this variant in disease. Therefore, it has been classified as a Variant of Uncertain Significance.

Illumina Laboratory Services, Illumina
Classification: Uncertain significance for Hidrotic ectodermal dysplasia syndrome. Last evaluated: 2017-04-28. Review status: criteria provided, single submitter. Criteria: ICSL Variant Classification Criteria 13 December 2019. Collection method: clinical testing. Allele origin: germline.